The following is an entry in ClinVar:

NM_020971.3(SPTBN4):c.4647G>A (p.Ala1549=)

Gene: SPTBN4 (spectrin beta, non-erythrocytic 4; plus strand). Cytogenetic location: 19q13.2.
Variant type: single nucleotide variant.
Coding change: c.4647G>A on transcript NM_020971.3 (MANE Select); coding-DNA position 4647, G replaced by A.
Protein change: p.Ala1549=; no amino-acid change (alanine 1549 retained).
Molecular consequence: synonymous variant.
Genome position (GRCh38, 1-based): chr19:40,550,300, G>A. VCF-style: chr19-40550300-G-A. GRCh37 (hg19) VCF-style: chr19-41056206-G-A.
Other names: c.675G>A, p.Ala225= (NM_025213.3).
Identifiers: ClinVar variation 3047855 (VCV003047855.3), dbSNP rs762991842, ClinGen allele CA9446274.

ClinVar aggregate classification (germline): Likely benign. Review status: criteria provided, single submitter (1 of 4 stars). 2 submissions from 2 submitters: Likely benign (1). 1 of the submissions does not count toward it. Last evaluated 2024-08-22.

Conditions:
SPTBN4-related disorder. Also called: SPTBN4-related condition.

Allele frequency attached by ClinVar (database versions not stated): TOPMed 0.00004; gnomAD 0.00048; ExAC 0.00064.
gnomAD v4.1: 536 of 1,610,982 alleles (0.033%); highest among the groups gnomAD compares: Admixed American, 0.013%; 3 homozygotes.

Submissions (2):

Blueprint Genetics
Classification: Likely benign. Last evaluated: 2024-08-22. Review status: criteria provided, single submitter. Criteria: ACMG Guidelines, 2015. Collection method: clinical testing. Allele origin: germline.

PreventionGenetics, part of Exact Sciences
Classification: Likely benign for SPTBN4-related condition. Last evaluated: 2019-03-25. Review status: no assertion criteria provided. Collection method: clinical testing. Allele origin: germline. Not counted in ClinVar's aggregate classification.
Comment: This variant is classified as likely benign based on ACMG/AMP sequence variant interpretation guidelines (Richards et al. 2015 PMID: 25741868, with internal and published modifications).